The following is an entry in ClinVar:

ClinVar aggregate classification (germline): Uncertain significance (1 of 4 stars; one submission).

Submission:

Ambry Genetics
Classification: Uncertain significance. Last evaluated: 2023-12-08. Review status: criteria provided, single submitter. Criteria: Ambry Variant Classification Scheme 2023. Collection method: clinical testing. Allele origin: germline.
Comment: The p.C1960Y variant (also known as c.5879G>A), located in coding exon 18 of the POLQ gene, results from a G to A substitution at nucleotide position 5879. The cysteine at codon 1960 is replaced by tyrosine, an amino acid with highly dissimilar properties. This amino acid position is conserved. In addition, this alteration is predicted to be tolerated by in silico analysis. Since supporting evidence is limited at this time, the clinical significance of this alteration remains unclear.

NM_199420.4(POLQ):c.5879G>A (p.Cys1960Tyr)

Gene: POLQ (DNA polymerase theta; minus strand). Cytogenetic location: 3q13.33.
Variant type: single nucleotide variant.
Coding change: c.5879G>A on transcript NM_199420.4 (MANE Select); coding-DNA position 5879, G replaced by A.
Protein change: p.Cys1960Tyr; replaces cysteine 1960 with tyrosine.
Molecular consequence: missense variant.
Genome position (GRCh38, 1-based): chr3:121,483,477, C>T on the plus strand (G>A on the coding strand, the complement: POLQ is on the minus strand). VCF-style: chr3-121483477-C-T. GRCh37 (hg19) VCF-style: chr3-121202324-C-T.
Other names: short protein forms C1960Y.
Identifiers: ClinVar variation 3230078 (VCV003230078.1), dbSNP rs2047986431, ClinGen allele CA354088592.